The following is an entry in ClinVar:

ClinVar aggregate classification (germline): Likely benign (1 of 4 stars; one submission).

Conditions:
CDHR1-related disorder. Also called: CDHR1-related condition.

gnomAD v4.1: 40 of 1,609,944 alleles (0.0025%); highest among the groups gnomAD compares: African/African-American, 0.033%; no homozygotes.

Submission:

PreventionGenetics, part of Exact Sciences
Classification: Likely benign for CDHR1-related condition. Last evaluated: 2025-09-04. Review status: criteria provided, single submitter. Criteria: ACMG Guidelines, 2015. Collection method: clinical testing. Allele origin: germline.
Comment: This variant is classified as likely benign based on ACMG/AMP sequence variant interpretation guidelines (Richards et al. 2015 PMID: 25741868, with internal and published modifications).

NM_033100.4(CDHR1):c.784-5C>T

Gene: CDHR1 (cadherin related family member 1; plus strand). Cytogenetic location: 10q23.1.
Variant type: single nucleotide variant.
Coding change: c.784-5C>T on transcript NM_033100.4 (MANE Select); 5 bases into the intron before coding-DNA position 784, C replaced by T.
Molecular consequence: intron variant.
Genome position (GRCh38, 1-based): chr10:84,204,522, C>T. VCF-style: chr10-84204522-C-T. GRCh37 (hg19) VCF-style: chr10-85964278-C-T.
Other names: c.784-5C>T (NM_001171971.3).
Identifiers: ClinVar variation 4977187 (VCV004977187.1).